The following is an entry in ClinVar:

ClinVar aggregate classification (germline): Uncertain significance. Review status: criteria provided, multiple submitters, no conflicts (2 of 4 stars). 4 submissions from 4 submitters: Uncertain significance (4). Last evaluated 2025-09-03.

Conditions:
Hereditary cancer-predisposing syndrome. Also called: Tumor predisposition; Hereditary neoplastic syndrome; Hereditary Cancer Syndrome; Neoplastic Syndromes, Hereditary. Identifiers: Orphanet 140162, MedGen C0027672, MeSH D009386, MONDO:0015356.
Retinoblastoma (RB1). Also called: RETINOBLASTOMA, SOMATIC. Identifiers: Orphanet 790, MedGen C0035335, MeSH D012175, MONDO:0008380, OMIM 180200, HP:0009919. Disease mechanism: loss of function. Inheritance: Both sporadic and heritable forms are tested..

Allele frequency attached by ClinVar (database versions not stated): gnomAD exomes below 0.00001; ExAC 0.00001; gnomAD 0.00001.
gnomAD v4.1: 3 of 1,611,826 alleles (0.00019%); highest among the groups gnomAD compares: Non-Finnish European, 0.00025%; no homozygotes.

Submissions (4):

Color Diagnostics, LLC DBA Color Health
Classification: Uncertain significance for Retinoblastoma. Last evaluated: 2025-09-03. Review status: criteria provided, single submitter. Criteria: ACMG Guidelines, 2015. Collection method: clinical testing. Allele origin: germline.
Comment: This missense variant replaces arginine with glutamine at codon 445 of the RB1 protein. Computational prediction suggests that this variant may have deleterious impact on protein structure and function. To our knowledge, functional studies have not been reported for this variant. This variant has not been reported in individuals affected with RB1-related disorders in the literature. This variant has been identified in 1/249104 chromosomes in the general population by the Genome Aggregation Database (gnomAD). The available evidence is insufficient to determine the role of this variant in disease conclusively. Therefore, this variant is classified as a Variant of Uncertain Significance.

Labcorp Genetics (formerly Invitae), Labcorp
Classification: Uncertain significance for Retinoblastoma. Last evaluated: 2025-08-20. Review status: criteria provided, single submitter. Criteria: Invitae Variant Classification Sherloc (09022015). Collection method: clinical testing. Allele origin: germline.
Comment: This sequence change replaces arginine, which is basic and polar, with glutamine, which is neutral and polar, at codon 445 of the RB1 protein (p.Arg445Gln). This variant is present in population databases (rs747509282, gnomAD 0.0009%). This variant has not been reported in the literature in individuals affected with RB1-related conditions. ClinVar contains an entry for this variant (Variation ID: 962236). An algorithm developed to predict the effect of missense changes on protein structure and function (PolyPhen-2) suggests that this variant is likely to be disruptive. In summary, the available evidence is currently insufficient to determine the role of this variant in disease. Therefore, it has been classified as a Variant of Uncertain Significance.

Ambry Genetics
Classification: Uncertain significance for Hereditary cancer-predisposing syndrome. Last evaluated: 2024-03-12. Review status: criteria provided, single submitter. Criteria: Ambry Variant Classification Scheme 2023. Collection method: clinical testing. Allele origin: germline.
Comment: The p.R445Q variant (also known as c.1334G>A), located in coding exon 14 of the RB1 gene, results from a G to A substitution at nucleotide position 1334. The arginine at codon 445 is replaced by glutamine, an amino acid with highly similar properties. This amino acid position is highly conserved in available vertebrate species. In addition, this alteration is predicted to be deleterious by in silico analysis. Since supporting evidence is limited at this time, the clinical significance of this alteration remains unclear.

All of Us Research Program, National Institutes of Health
Classification: Uncertain significance for Retinoblastoma. Last evaluated: 2023-06-26. Review status: criteria provided, single submitter. Criteria: ACMG Guidelines, 2015. Collection method: clinical testing. Allele origin: germline. Inheritance: Autosomal dominant inheritance. Observed: 1 variant allele, 1 heterozygote.
Comment: This missense variant replaces arginine with glutamine at codon 445 of the RB1 protein. Computational prediction suggests that this variant may have deleterious impact on protein structure and function (internally defined REVEL score threshold >= 0.7, PMID: 27666373). To our knowledge, functional studies have not been reported for this variant. This variant has not been reported in individuals affected with RB1-related disorders in the literature. This variant has been identified in 1/249104 chromosomes in the general population by the Genome Aggregation Database (gnomAD). The available evidence is insufficient to determine the role of this variant in disease conclusively. Therefore, this variant is classified as a Variant of Uncertain Significance.

This study involves interpretation of variants in research participants for the purpose of population health screening. Participant phenotype was not available at the time of variant classification. Additional details can be found in publication PMID: 35346344, PMCID: PMC8962531

NM_000321.3(RB1):c.1334G>A (p.Arg445Gln)

Gene: RB1 (RB transcriptional corepressor 1; plus strand). Cytogenetic location: 13q14.2.
Variant type: single nucleotide variant.
Coding change: c.1334G>A on transcript NM_000321.3 (MANE Select); coding-DNA position 1334, G replaced by A.
Protein change: p.Arg445Gln; replaces arginine 445 with glutamine.
Molecular consequence: missense variant.
Genome position (GRCh38, 1-based): chr13:48,379,595, G>A. VCF-style: chr13-48379595-G-A. GRCh37 (hg19) VCF-style: chr13-48953731-G-A.
Other names: short protein forms R445Q.
Identifiers: ClinVar variation 962236 (VCV000962236.13), dbSNP rs747509282, ClinGen allele CA028247.